The following is an entry in ClinVar:

ClinVar aggregate classification (germline): Conflicting classifications of pathogenicity. Review status: criteria provided, conflicting classifications (1 of 4 stars). 3 submissions from 2 submitters: Uncertain significance (1); Likely benign (2). Last evaluated 2023-04-01.

Conditions:
Spherocytosis. Identifiers: MedGen C0553720, HP:0004444.
Hereditary spherocytosis type 1. Also called: Spherocytosis type 1; ANK1-Related Spherocytosis. Identifiers: Orphanet 822, MedGen C2674218, MONDO:0008447, OMIM 182900.

Allele frequency attached by ClinVar (database versions not stated): 1000 Genomes Project 30x 0.00219; 1000 Genomes Project 0.00260; TOPMed 0.00429; gnomAD 0.00725 and 0.00775; gnomAD exomes 0.05152.
gnomAD v4.1: 1,131 of 152,512 alleles (0.74%); highest among the groups gnomAD compares: Non-Finnish European, 0.81%; 12 homozygotes.

Submissions (3):

CeGaT Center for Human Genetics Tuebingen
Classification: Likely benign. Last evaluated: 2023-04-01. Review status: criteria provided, single submitter. Criteria: CeGaT Center For Human Genetics Tuebingen Variant Classification Criteria Version 2. Collection method: clinical testing. Allele origin: germline. Affected: yes. Observed: 3 variant alleles.
Comment: ANK1: BS2

Illumina Laboratory Services, Illumina
Classification: Likely benign for Hereditary spherocytosis type 1. Last evaluated: 2018-01-13. Review status: criteria provided, single submitter. Criteria: ICSL Variant Classification Criteria 13 December 2019. Collection method: clinical testing. Allele origin: germline.
Comment: This variant was observed in the ICSL laboratory as part of a predisposition screen in an ostensibly healthy population. It had not been previously curated by ICSL or reported in the Human Gene Mutation Database (HGMD: prior to June 1st, 2018), and was therefore a candidate for classification through an automated scoring system. Utilizing variant allele frequency, disease prevalence and penetrance estimates, and inheritance mode, an automated score was calculated to assess if this variant is too frequent to cause the disease. Based on the score and internal cut-off values, a variant classified as likely benign is not then subjected to further curation. The score for this variant resulted in a classification of likely benign for this disease.

Illumina Laboratory Services, Illumina
Classification: Uncertain significance for Spherocytosis. Last evaluated: 2018-01-13. Review status: criteria provided, single submitter. Criteria: ICSL Variant Classification Criteria 13 December 2019. Collection method: clinical testing. Allele origin: germline.

NM_000037.4(ANK1):c.*1708G>C

Gene: ANK1 (ankyrin 1; minus strand). Cytogenetic location: 8p11.21.
Variant type: single nucleotide variant.
Coding change: c.*1708G>C on transcript NM_000037.4 (MANE Select); 1708 bases downstream of the stop codon, G replaced by C.
Molecular consequence: 3 prime UTR variant.
Genome position (GRCh38, 1-based): chr8:41,654,082, C>G on the plus strand (G>C on the coding strand, the complement: ANK1 is on the minus strand). VCF-style: chr8-41654082-C-G. GRCh37 (hg19) VCF-style: chr8-41511601-C-G.
Other names: c.*1645G>C (NM_001142445.2, NM_001142446.2, NM_020475.3 and 3 more transcripts); c.*1708G>C (NM_020478.5).
Identifiers: ClinVar variation 362959 (VCV000362959.32), dbSNP rs182454354, ClinGen allele CA10631015.